The following is an entry in ClinVar:

NM_177550.5(SLC13A5):c.1438-82A>G

Gene: SLC13A5 (solute carrier family 13 member 5; minus strand). Cytogenetic location: 17p13.1.
Variant type: single nucleotide variant.
Coding change: c.1438-82A>G on transcript NM_177550.5 (MANE Select); 82 bases into the intron before coding-DNA position 1438, A replaced by G.
Molecular consequence: intron variant.
Genome position (GRCh38, 1-based): chr17:6,687,748, T>C on the plus strand (A>G on the coding strand, the complement: SLC13A5 is on the minus strand). VCF-style: chr17-6687748-T-C. GRCh37 (hg19) VCF-style: chr17-6591067-T-C.
Other names: c.1309-82A>G (NM_001284510.2); c.1387-82A>G (NM_001284509.2); c.1438-1410A>G (NM_001143838.3).
Identifiers: ClinVar variation 673998 (VCV000673998.2), dbSNP rs16956138, ClinGen allele CA287381719.

ClinVar aggregate classification (germline): Benign. Review status: criteria provided, multiple submitters, no conflicts (2 of 4 stars). 2 submissions from 2 submitters: Benign (2). Last evaluated 2018-06-14.

Allele frequency attached by ClinVar (database versions not stated): gnomAD exomes 0.02597; gnomAD 0.03975 and 0.04112; 1000 Genomes Project 0.04054; 1000 Genomes Project 30x 0.04185; TOPMed 0.04213.
gnomAD v4.1: 40,394 of 1,471,088 alleles (2.7%); highest among the groups gnomAD compares: African/African-American, 8.7%; 788 homozygotes.

Submissions (2):

GeneDx
Classification: Benign. Last evaluated: 2018-06-14. Review status: criteria provided, single submitter. Criteria: GeneDx Variant Classification (06012015). Collection method: clinical testing. Allele origin: germline. Affected: yes.
Comment: This variant is considered likely benign or benign based on one or more of the following criteria: it is a conservative change, it occurs at a poorly conserved position in the protein, it is predicted to be benign by multiple in silico algorithms, and/or has population frequency not consistent with disease.

Breakthrough Genomics
Classification: Benign. Review status: criteria provided, single submitter. Criteria: ACMG Guidelines, 2015. Collection method: not provided. Allele origin: germline. Inheritance: Autosomal recessive inheritance. Affected: yes.